The following is an entry in ClinVar:

ClinVar aggregate classification (germline): Uncertain significance (1 of 4 stars; one submission).

Conditions:
Epidermolysis bullosa simplex 3, localized or generalized intermediate, with BP230 deficiency (EBS3). Also called: Epidermolysis bullosa simplex due to BP230 deficiency; Epidermolysis bullosa simplex, autosomal recessive 2. Identifiers: Orphanet 412181, MedGen C3809470, MONDO:0014180, OMIM 615425.
Hereditary sensory and autonomic neuropathy type 6. Also called: Neuropathy, hereditary sensory and autonomic, type VI; HSAN VI. Identifiers: Orphanet 314381, MedGen C3539003, MONDO:0013839, OMIM 614653.

Submission:

Labcorp Genetics (formerly Invitae), Labcorp
Classification: Uncertain significance for Epidermolysis bullosa simplex 3, localized or generalized intermediate, with BP230 deficiency; Hereditary sensory and autonomic neuropathy type 6. Last evaluated: 2019-06-28. Review status: criteria provided, single submitter. Criteria: Invitae Variant Classification Sherloc (09022015). Collection method: clinical testing. Allele origin: germline.
Comment: This variant has not been reported in the literature in individuals with DST-related disease. Algorithms developed to predict the effect of missense changes on protein structure and function are either unavailable or do not agree on the potential impact of this missense change (SIFT: "Tolerated"; PolyPhen-2: "Possibly Damaging"; Align-GVGD: "Class C15"). In summary, the available evidence is currently insufficient to determine the role of this variant in disease. Therefore, it has been classified as a Variant of Uncertain Significance. This variant is not present in population databases (ExAC no frequency). This sequence change replaces glycine with aspartic acid at codon 48 of the DST protein (p.Gly48Asp). The glycine residue is weakly conserved and there is a moderate physicochemical difference between glycine and aspartic acid.

NM_001723.7(DST):c.143G>A (p.Gly48Asp)

Gene: DST (dystonin; minus strand). Cytogenetic location: 6p12.1.
Variant type: single nucleotide variant.
Coding change: c.143G>A on transcript NM_001723.7 (MANE Plus Clinical); coding-DNA position 143, G replaced by A.
Protein change: p.Gly48Asp; replaces glycine 48 with aspartic acid.
Molecular consequence: missense variant. On other transcripts: intron variant (9).
Genome position (GRCh38, 1-based): chr6:56,642,646, C>T on the plus strand (G>A on the coding strand, the complement: DST is on the minus strand). VCF-style: chr6-56642646-C-T. GRCh37 (hg19) VCF-style: chr6-56507444-C-T.
Other names: c.143G>A, p.Gly48Asp (NM_015548.5); c.1680-143G>A (NM_001144769.5); c.1779-143G>A (NM_001374722.1, NM_001374736.1); c.1806-143G>A (NM_001374734.1); c.1266-143G>A (NM_001144770.2); c.1146-143G>A (NM_001374730.1, NM_001386100.1, NM_183380.4 and 1 more transcripts); short protein forms G48D.
Identifiers: ClinVar variation 639219 (VCV000639219.11), dbSNP rs1587603777, ClinGen allele CA364615451.